The following is an entry in ClinVar:

NM_001128840.3(CACNA1D):c.2815A>G (p.Thr939Ala)

Gene: CACNA1D (calcium voltage-gated channel subunit alpha1 D; plus strand). Cytogenetic location: 3p21.1.
Variant type: single nucleotide variant.
Coding change: c.2815A>G on transcript NM_001128840.3 (MANE Select); coding-DNA position 2815, A replaced by G.
Protein change: p.Thr939Ala; replaces threonine 939 with alanine.
Molecular consequence: missense variant.
Genome position (GRCh38, 1-based): chr3:53,743,014, A>G. VCF-style: chr3-53743014-A-G. GRCh37 (hg19) VCF-style: chr3-53777041-A-G.
Other names: c.2875A>G, p.Thr959Ala (NM_000720.4); c.2815A>G, p.Thr939Ala (NM_001128839.3); short protein forms T939A, T959A.
Identifiers: ClinVar variation 1956547 (VCV001956547.5), dbSNP rs778190780, ClinGen allele CA2454373.

ClinVar aggregate classification (germline): Uncertain significance (1 of 4 stars; one submission).

Allele frequency attached by ClinVar (database versions not stated): TOPMed below 0.00001; gnomAD exomes 0.00001; ExAC 0.00003.
gnomAD v4.1: 8 of 1,606,002 alleles (0.0005%); highest among the groups gnomAD compares: Non-Finnish European, 0.0006%; no homozygotes.

Submission:

Labcorp Genetics (formerly Invitae), Labcorp
Classification: Uncertain significance. Last evaluated: 2024-10-15. Review status: criteria provided, single submitter. Criteria: Invitae Variant Classification Sherloc (09022015). Collection method: clinical testing. Allele origin: germline.
Comment: This sequence change replaces threonine, which is neutral and polar, with alanine, which is neutral and non-polar, at codon 959 of the CACNA1D protein (p.Thr959Ala). This variant is present in population databases (rs778190780, gnomAD 0.003%). This variant has not been reported in the literature in individuals affected with CACNA1D-related conditions. ClinVar contains an entry for this variant (Variation ID: 1956547). Invitae Evidence Modeling of protein sequence and biophysical properties (such as structural, functional, and spatial information, amino acid conservation, physicochemical variation, residue mobility, and thermodynamic stability) indicates that this missense variant is not expected to disrupt CACNA1D protein function with a negative predictive value of 80%. In summary, the available evidence is currently insufficient to determine the role of this variant in disease. Therefore, it has been classified as a Variant of Uncertain Significance.